The following is an entry in ClinVar:

ClinVar aggregate classification (germline): Uncertain significance (1 of 4 stars; one submission).

Allele frequency attached by ClinVar (database versions not stated): gnomAD exomes below 0.00001; gnomAD 0.00001; TOPMed 0.00001.
gnomAD v4.1: 4 of 1,614,102 alleles (0.00025%); highest among the groups gnomAD compares: Non-Finnish European, 0.00034%; no homozygotes.

Submission:

Ambry Genetics
Classification: Uncertain significance. Last evaluated: 2024-10-31. Review status: criteria provided, single submitter. Criteria: Ambry Variant Classification Scheme 2023. Collection method: clinical testing. Allele origin: germline.
Comment: The p.S38F variant (also known as c.113C>T), located in coding exon 1 of the BUB3 gene, results from a C to T substitution at nucleotide position 113. The serine at codon 38 is replaced by phenylalanine, an amino acid with highly dissimilar properties. This amino acid position is conserved. In addition, the in silico prediction for this alteration is inconclusive. Since supporting evidence is limited at this time, the clinical significance of this alteration remains unclear.

NM_004725.4(BUB3):c.113C>T (p.Ser38Phe)

Genes: BUB3 (BUB3 mitotic checkpoint protein; plus strand), LOC130004885 (ATAC-STARR-seq lymphoblastoid active region 4151; plus strand). Cytogenetic location: 10q26.13.
Variant type: single nucleotide variant.
Coding change: c.113C>T on transcript NM_004725.4 (MANE Select); coding-DNA position 113, C replaced by T.
Protein change: p.Ser38Phe; replaces serine 38 with phenylalanine.
Molecular consequence: missense variant.
Genome position (GRCh38, 1-based): chr10:123,155,030, C>T. VCF-style: chr10-123155030-C-T. GRCh37 (hg19) VCF-style: chr10-124914546-C-T.
Other names: c.113C>T, p.Ser38Phe (NM_001007793.3); short protein forms S38F.
Identifiers: ClinVar variation 1730788 (VCV001730788.3), dbSNP rs1447938381, ClinGen allele CA378624970.